The following is an entry in ClinVar:

ClinVar aggregate classification (germline): Pathogenic (1 of 4 stars; one submission).

Conditions:
Hereditary diffuse gastric adenocarcinoma (HDGC). Also called: DIFFUSE GASTRIC AND LOBULAR BREAST CANCER SYNDROME. Identifiers: Orphanet 26106, MedGen C1708349, MONDO:0007648, OMIM 137215.

Submission:

Myriad Genetics, Inc.
Classification: Pathogenic for Hereditary diffuse gastric adenocarcinoma. Last evaluated: 2026-02-17. Review status: criteria provided, single submitter. Criteria: Myriad Autosomal Dominant, Autosomal Recessive and X-Linked Classification Criteria (2023). Collection method: clinical testing. Allele origin: unknown.
Comment: This variant is considered pathogenic. This variant creates a frameshift predicted to result in premature protein truncation.

NM_001903.5(CTNNA1):c.167del (p.Lys56fs)

Gene: CTNNA1 (catenin alpha 1; plus strand). Cytogenetic location: 5q31.2.
Variant type: Deletion.
Coding change: c.167del on transcript NM_001903.5 (MANE Select); coding-DNA position 167, one base deleted (A; older notation c.167delA).
Protein change: p.Lys56fs; shifts the reading frame from lysine 56.
Molecular consequence: frameshift variant. On other transcripts: 5 prime UTR variant (1), intron variant (1).
Genome position (GRCh38, 1-based): chr5:138,783,238, A deleted; the last of 2 consecutive A bases (chr5:138,783,237-138,783,238); deleting either gives the same sequence. VCF-style (leftmost placement, unchanged base first): chr5-138783236-TA-T. GRCh37 (hg19) VCF-style: chr5-138118925-TA-T.
Other names: c.167del, p.Lys56fs (NM_001290307.3, NM_001323982.2, NM_001323983.1 and 3 more transcripts); c.-40del (NM_001290310.3); c.-9+1209del (NM_001290309.3); short protein forms K56fs.
Identifiers: ClinVar variation 4856746 (VCV004856746.1).
Genomic context (GRCh38, chr5:138,783,236, plus strand): 5'-GGTTACAACCCTTGTAAACACCAATAGTAAAGGGCCCTCTAATAAGAAGAGAGGTCGTTC[TA>T]AGAAGGCCCATGTTTTGGCTGCATCTGTTGAACAAGCAACTGAGAATTTCTTGGAGAAGG-3'